The following is an entry in ClinVar:

ClinVar aggregate classification (germline): Uncertain significance (1 of 4 stars; one submission).

gnomAD v4.1: 2 of 1,613,984 alleles (0.00012%); highest among the groups gnomAD compares: Non-Finnish European, 0.000085%; no homozygotes.

Submission:

GeneDx
Classification: Uncertain significance. Last evaluated: 2024-05-17. Review status: criteria provided, single submitter. Criteria: GeneDx Variant Classification Process June 2021. Collection method: clinical testing. Allele origin: germline. Affected: yes.
Comment: Not observed at significant frequency in large population cohorts (gnomAD); In silico analysis indicates that this missense variant does not alter protein structure/function; Has not been previously published as pathogenic or benign to our knowledge

NM_001931.5(DLAT):c.79G>A (p.Glu27Lys)

Gene: DLAT (dihydrolipoamide S-acetyltransferase; plus strand). Cytogenetic location: 11q23.1.
Variant type: single nucleotide variant.
Coding change: c.79G>A on transcript NM_001931.5 (MANE Select); coding-DNA position 79, G replaced by A.
Protein change: p.Glu27Lys; replaces glutamic acid 27 with lysine.
Molecular consequence: missense variant. On other transcripts: 5 prime UTR variant (1), non-coding transcript variant (1).
Genome position (GRCh38, 1-based): chr11:112,025,551, G>A. VCF-style: chr11-112025551-G-A. GRCh37 (hg19) VCF-style: chr11-111896275-G-A.
Other names: c.79G>A, p.Glu27Lys (NM_001372031.1, NM_001372032.1, NM_001372033.1 and 6 more transcripts); c.38G>A, p.Gly13Glu (NM_001372036.1, NM_001372037.1); c.-388G>A (NM_001372042.1); short protein forms E27K, G13E.
Identifiers: ClinVar variation 3377874 (VCV003377874.1).